The following is an entry in ClinVar:

ClinVar aggregate classification (germline): Likely benign. Review status: criteria provided, single submitter (1 of 4 stars). 2 submissions from 2 submitters: Likely benign (1). 1 of the submissions does not count toward it. Last evaluated 2023-06-29.

Conditions:
Pyruvate dehydrogenase E1-alpha deficiency (PDHAD). Also called: Ataxia, intermittent, with pyruvate dehydrogenase, or decarboxylase, deficiency; ATAXIA, INTERMITTENT, WITH PYRUVATE DEHYDROGENASE DEFICIENCY; ATAXIA WITH LACTIC ACIDOSIS I; ATAXIA, INTERMITTENT, WITH ABNORMAL PYRUVATE METABOLISM. Identifiers: Orphanet 79243, MedGen C1839413, MONDO:0010717, OMIM 312170.
PDHA1-related disorder. Also called: PDHA1-related condition.

Allele frequency attached by ClinVar (database versions not stated): gnomAD exomes below 0.00001; TOPMed below 0.00001.
gnomAD v4.1: 2 of 1,209,888 alleles (0.00017%); highest among the groups gnomAD compares: East Asian, 0.003%; no homozygotes.

Submissions (2):

Labcorp Genetics (formerly Invitae), Labcorp
Classification: Likely benign for Pyruvate dehydrogenase E1-alpha deficiency. Last evaluated: 2023-06-29. Review status: criteria provided, single submitter. Criteria: Invitae Variant Classification Sherloc (09022015). Collection method: clinical testing. Allele origin: germline.

PreventionGenetics, part of Exact Sciences
Classification: Likely benign for PDHA1-related condition. Last evaluated: 2019-04-11. Review status: no assertion criteria provided. Collection method: clinical testing. Allele origin: germline. Not counted in ClinVar's aggregate classification.
Comment: This variant is classified as likely benign based on ACMG/AMP sequence variant interpretation guidelines (Richards et al. 2015 PMID: 25741868, with internal and published modifications).

NM_000284.4(PDHA1):c.867C>T (p.Tyr289=)

Gene: PDHA1 (pyruvate dehydrogenase E1 subunit alpha 1; plus strand). Cytogenetic location: Xp22.12.
Variant type: single nucleotide variant.
Coding change: c.867C>T on transcript NM_000284.4 (MANE Select); coding-DNA position 867, C replaced by T.
Protein change: p.Tyr289=; no amino-acid change (tyrosine 289 retained).
Molecular consequence: synonymous variant.
Genome position (GRCh38, 1-based): chrX:19,357,687, C>T. VCF-style: chrX-19357687-C-T. GRCh37 (hg19) VCF-style: chrX-19375805-C-T.
Other names: c.981C>T, p.Tyr327= (NM_001173454.2); c.888C>T, p.Tyr296= (NM_001173455.2); c.774C>T, p.Tyr258= (NM_001173456.2); c.981C>T (NM_001173454.1).
Identifiers: ClinVar variation 1149228 (VCV001149228.11), dbSNP rs1418512491, ClinGen allele CA515486188.